The following is an entry in ClinVar:

ClinVar aggregate classification (germline): Uncertain significance (1 of 4 stars; one submission).

Conditions:
Fanconi anemia complementation group J. Also called: BRIP1-Related Fanconi Anemia. Identifiers: Orphanet 84, MedGen C1836860, MONDO:0012187, OMIM 609054.
Familial cancer of breast. Also called: BREAST CANCER, FAMILIAL; Hereditary breast cancer; hereditary breast carcinoma. Identifiers: Orphanet 227535, MedGen C0346153, MONDO:0016419, OMIM 114480. Disease mechanism: loss of function.

Submission:

Labcorp Genetics (formerly Invitae), Labcorp
Classification: Uncertain significance for Familial cancer of breast; Fanconi anemia complementation group J. Last evaluated: 2024-08-24. Review status: criteria provided, single submitter. Criteria: Invitae Variant Classification Sherloc (09022015). Collection method: clinical testing. Allele origin: germline.
Comment: This sequence change replaces histidine, which is basic and polar, with tyrosine, which is neutral and polar, at codon 835 of the BRIP1 protein (p.His835Tyr). This variant is not present in population databases (gnomAD no frequency). This variant has not been reported in the literature in individuals affected with BRIP1-related conditions. Invitae Evidence Modeling of protein sequence and biophysical properties (such as structural, functional, and spatial information, amino acid conservation, physicochemical variation, residue mobility, and thermodynamic stability) indicates that this missense variant is expected to disrupt BRIP1 protein function with a positive predictive value of 80%. In summary, the available evidence is currently insufficient to determine the role of this variant in disease. Therefore, it has been classified as a Variant of Uncertain Significance.

NM_032043.3(BRIP1):c.2503C>T (p.His835Tyr)

Gene: BRIP1 (BRCA1 interacting DNA helicase 1; minus strand). Cytogenetic location: 17q23.2.
Variant type: single nucleotide variant.
Coding change: c.2503C>T on transcript NM_032043.3 (MANE Select); coding-DNA position 2503, C replaced by T.
Protein change: p.His835Tyr; replaces histidine 835 with tyrosine.
Molecular consequence: missense variant.
Genome position (GRCh38, 1-based): chr17:61,693,502, G>A on the plus strand (C>T on the coding strand, the complement: BRIP1 is on the minus strand). VCF-style: chr17-61693502-G-A. GRCh37 (hg19) VCF-style: chr17-59770863-G-A.
Other names: short protein forms H835Y.
Identifiers: ClinVar variation 3757811 (VCV003757811.2).
Genomic context (GRCh38, chr17:61,693,502, plus strand): 5'-GACTTGGGTTATTCCTAAAGCGATCATCCACTAGAATAAGAGCTCCCCAATCATTTCTGT[G>A]TCTAATACATCTAGAAAAAATAGGGAAAAAGTCAAATAATTATAACATCGGAAATAAATC-3'
Protein context (NP_114432.2, residues 825-845): LNQALGRCIR[His835Tyr]RNDWGALILV